The following is an entry in ClinVar:

NM_004260.4(RECQL4):c.297G>C (p.Gln99His)

Gene: RECQL4 (RecQ like helicase 4; minus strand). Cytogenetic location: 8q24.3.
Variant type: single nucleotide variant.
Coding change: c.297G>C on transcript NM_004260.4 (MANE Select); coding-DNA position 297, G replaced by C.
Protein change: p.Gln99His; replaces glutamine 99 with histidine.
Molecular consequence: missense variant. On other transcripts: 5 prime UTR variant (17), non-coding transcript variant (3).
Genome position (GRCh38, 1-based): chr8:144,517,107, C>G on the plus strand (G>C on the coding strand, the complement: RECQL4 is on the minus strand). VCF-style: chr8-144517107-C-G. GRCh37 (hg19) VCF-style: chr8-145742491-C-G.
Other names: c.297G>C, p.Gln99His (NM_001413017.1, NM_001413018.1, NM_001413019.1 and 5 more transcripts); c.-424G>C (NM_001413021.1); c.-775G>C (NM_001413022.1, NM_001413023.1, NM_001413037.1 and 3 more transcripts); c.-672G>C (NM_001413024.1, NM_001413035.1); c.168G>C, p.Gln56His (NM_001413025.1); c.-837G>C (NM_001413027.1, NM_001413030.1, NM_001413031.1 and 1 more transcripts); c.-500G>C (NM_001413028.1); c.-734G>C (NM_001413032.1); and 2 more; short protein forms Q56H, Q99H.
Identifiers: ClinVar variation 4841567 (VCV004841567.1).
Genomic context (GRCh38, chr8:144,517,107, plus strand): 5'-CACCTGCAGGGTGCCTTTCAGATTGGCCTTGAGCCGCTGCCCGTAGTCCGGCACCGAGCC[C>G]TGGCGGCTCCGCCCTGGCGTAGACTGTGGACTCTTGGTCGCAGCCCGATTCAGATGGGGC-3'
Protein context (NP_004251.4, residues 89-109): SPQSTPGRSR[Gln99His]GSVPDYGQRL

ClinVar aggregate classification (germline): Uncertain significance (1 of 4 stars; one submission).

Conditions:
Inborn genetic diseases. Identifiers: MedGen C0950123, MeSH D030342.

gnomAD v4.1: 2 of 1,612,418 alleles (0.00012%); highest among the groups gnomAD compares: Non-Finnish European, 0.00017%; no homozygotes.

Submission:

Ambry Genetics
Classification: Uncertain significance for Inborn genetic diseases. Last evaluated: 2025-12-22. Review status: criteria provided, single submitter. Criteria: Ambry Variant Classification Scheme 2023. Collection method: clinical testing. Allele origin: germline.
Comment: The p.Q99H variant (also known as c.297G>C), located in coding exon 4 of the RECQL4 gene, results from a G to C substitution at nucleotide position 297. The glutamine at codon 99 is replaced by histidine, an amino acid with highly similar properties. This amino acid position is conserved. In addition, this alteration is predicted to be tolerated by in silico analysis. Based on the available evidence, the clinical significance of this variant remains unclear.